The following is an entry in ClinVar:

NM_001267550.2(TTN):c.105424G>C (p.Glu35142Gln)

Genes: TTN (titin; minus strand), TTN-AS1 (TTN antisense RNA 1; plus strand). Cytogenetic location: 2q31.2.
Variant type: single nucleotide variant.
Coding change: c.105424G>C on transcript NM_001267550.2 (MANE Select); coding-DNA position 105424, G replaced by C.
Protein change: p.Glu35142Gln; replaces glutamic acid 35142 with glutamine.
Molecular consequence: missense variant.
Genome position (GRCh38, 1-based): chr2:178,531,191, C>G on the plus strand (G>C on the coding strand, the complement: TTN is on the minus strand). VCF-style: chr2-178531191-C-G. GRCh37 (hg19) VCF-style: chr2-179395918-C-G.
Other names: c.100501G>C, p.Glu33501Gln (NM_001256850.1); c.78229G>C, p.Glu26077Gln (NM_003319.4); c.97720G>C, p.Glu32574Gln (NM_133378.4); c.78604G>C, p.Glu26202Gln (NM_133432.3); c.78805G>C, p.Glu26269Gln (NM_133437.4); short protein forms E35142Q, E32574Q, E26202Q, E26269Q, E33501Q, E26077Q.
Identifiers: ClinVar variation 574608 (VCV000574608.7), dbSNP rs765274398, ClinGen allele CA349408795.

ClinVar aggregate classification (germline): Uncertain significance (1 of 4 stars; one submission).

Conditions:
Dilated cardiomyopathy 1G (CMD1G). Identifiers: Orphanet 154, MedGen C1858763, MONDO:0011400, OMIM 604145.
Autosomal recessive limb-girdle muscular dystrophy type 2J (LGMDR10). Also called: Limb-girdle muscular dystrophy, type 2J; MUSCULAR DYSTROPHY, LIMB-GIRDLE, AUTOSOMAL RECESSIVE 10. Identifiers: Orphanet 140922, MedGen C1837342, MONDO:0012127, OMIM 608807.

Submission:

Labcorp Genetics (formerly Invitae), Labcorp
Classification: Uncertain significance for Dilated cardiomyopathy 1G; Autosomal recessive limb-girdle muscular dystrophy type 2J. Last evaluated: 2018-06-21. Review status: criteria provided, single submitter. Criteria: Invitae Variant Classification Sherloc (09022015). Collection method: clinical testing. Allele origin: germline.
Comment: This sequence change replaces glutamic acid with glutamine at codon 35142 of the TTN protein (p.Glu35142Gln). There is a small physicochemical difference between glutamic acid and glutamine. Algorithms developed to predict the effect of missense changes on protein structure and function are unavailable for the TTN gene. In summary, the available evidence is currently insufficient to determine the role of this variant in disease. Therefore, it has been classified as a Variant of Uncertain Significance. This variant is located in the M band of TTN (PMID: 25589632). Variants in this region may be relevant for neuromuscular disorders, but have not been definitively shown to cause cardiomyopathy (PMID: 23975875). This variant is not present in population databases (ExAC no frequency).

Literature cited by the submitters: PubMed 25589632; PubMed 23975875.